The following is an entry in ClinVar:

NM_021625.5(TRPV4):c.2401A>C (p.Lys801Gln)

Gene: TRPV4 (transient receptor potential cation channel subfamily V member 4; minus strand). Cytogenetic location: 12q24.11.
Variant type: single nucleotide variant.
Coding change: c.2401A>C on transcript NM_021625.5 (MANE Select); coding-DNA position 2401, A replaced by C.
Protein change: p.Lys801Gln; replaces lysine 801 with glutamine.
Molecular consequence: missense variant.
Genome position (GRCh38, 1-based): chr12:109,784,373, T>G on the plus strand (A>C on the coding strand, the complement: TRPV4 is on the minus strand). VCF-style: chr12-109784373-T-G. GRCh37 (hg19) VCF-style: chr12-110222178-T-G.
Other names: c.2260A>C, p.Lys754Gln (NM_001177428.2); c.2299A>C, p.Lys767Gln (NM_001177431.2); c.2080A>C, p.Lys694Gln (NM_001177433.2); c.2221A>C, p.Lys741Gln (NM_147204.3); short protein forms K694Q, K741Q, K767Q, K801Q, K754Q.
Identifiers: ClinVar variation 3684482 (VCV003684482.2).

ClinVar aggregate classification (germline): Uncertain significance (1 of 4 stars; one submission).

Conditions:
Charcot-Marie-Tooth disease axonal type 2C (HMSN2C). Also called: CHARCOT-MARIE-TOOTH DISEASE, AXONAL, AUTOSOMAL DOMINANT, TYPE 2C; Charcot-Marie-Tooth Neuropathy Type 2C; Charcot-Marie-Tooth Disease Type 2, TRPV4-Related (CMT2C). Identifiers: Orphanet 99937, MedGen C1853710, MONDO:0011633, OMIM 606071.

Submission:

Labcorp Genetics (formerly Invitae), Labcorp
Classification: Uncertain significance for Charcot-Marie-Tooth disease axonal type 2C. Last evaluated: 2024-04-05. Review status: criteria provided, single submitter. Criteria: Invitae Variant Classification Sherloc (09022015). Collection method: clinical testing. Allele origin: germline.
Comment: This sequence change replaces lysine, which is basic and polar, with glutamine, which is neutral and polar, at codon 801 of the TRPV4 protein (p.Lys801Gln). This variant is not present in population databases (gnomAD no frequency). This variant has not been reported in the literature in individuals affected with TRPV4-related conditions. Advanced modeling of protein sequence and biophysical properties (such as structural, functional, and spatial information, amino acid conservation, physicochemical variation, residue mobility, and thermodynamic stability) performed at Invitae indicates that this missense variant is not expected to disrupt TRPV4 protein function with a negative predictive value of 95%. In summary, the available evidence is currently insufficient to determine the role of this variant in disease. Therefore, it has been classified as a Variant of Uncertain Significance.